The following is an entry in ClinVar:

NM_152295.5(TARS1):c.330-4del

Gene: TARS1 (threonyl-tRNA synthetase 1; plus strand). Cytogenetic location: 5p13.3.
Variant type: Deletion.
Coding change: c.330-4del on transcript NM_152295.5 (MANE Select); 4 bases into the intron before coding-DNA position 330, one base deleted (T; older notation c.330-4delT).
Molecular consequence: intron variant.
Genome position (GRCh38, 1-based): chr5:33,453,285, T deleted; the last of 22 consecutive T bases (chr5:33,453,264-33,453,285); deleting any one gives the same sequence. VCF-style (leftmost placement, unchanged base first): chr5-33453263-CT-C. GRCh37 (hg19) VCF-style: chr5-33453368-CT-C.
Other names: c.330-4del (NM_001258437.1); c.429-4del (NM_001258438.2).
Identifiers: ClinVar variation 3060916 (VCV003060916.2), dbSNP rs35931457, ClinGen allele CA3222992.

ClinVar aggregate classification (germline): Likely benign (0 of 4 stars; one submission).

Conditions:
TARS1-related disorder. Also called: TARS1-related condition.

Submission:

PreventionGenetics, part of Exact Sciences
Classification: Likely benign for TARS1-related condition. Last evaluated: 2019-10-29. Review status: no assertion criteria provided. Collection method: clinical testing. Allele origin: germline.
Comment: This variant is classified as likely benign based on ACMG/AMP sequence variant interpretation guidelines (Richards et al. 2015 PMID: 25741868, with internal and published modifications).